The following is an entry in ClinVar:

NM_018993.4(RIN2):c.371C>A (p.Ser124Tyr)

Gene: RIN2 (Ras and Rab interactor 2; plus strand). Cytogenetic location: 20p11.23.
Variant type: single nucleotide variant.
Coding change: c.371C>A on transcript NM_018993.4 (MANE Select); coding-DNA position 371, C replaced by A.
Protein change: p.Ser124Tyr; replaces serine 124 with tyrosine.
Molecular consequence: missense variant. On other transcripts: 5 prime UTR variant (1).
Genome position (GRCh38, 1-based): chr20:19,960,719, C>A. VCF-style: chr20-19960719-C-A. GRCh37 (hg19) VCF-style: chr20-19941363-C-A.
Other names: c.518C>A, p.Ser173Tyr (NM_001242581.2); c.-175C>A (NM_001378238.1); short protein forms S124Y, S173Y.
Identifiers: ClinVar variation 2012476 (VCV002012476.2), dbSNP rs1433693137, ClinGen allele CA408357390.

ClinVar aggregate classification (germline): Uncertain significance (1 of 4 stars; one submission).

Allele frequency attached by ClinVar (database versions not stated): TOPMed below 0.00001; gnomAD 0.00001; gnomAD exomes 0.00002.
gnomAD v4.1: 36 of 1,599,740 alleles (0.0023%); highest among the groups gnomAD compares: Non-Finnish European, 0.003%; no homozygotes.

Submission:

Labcorp Genetics (formerly Invitae), Labcorp
Classification: Uncertain significance. Last evaluated: 2022-06-15. Review status: criteria provided, single submitter. Criteria: Invitae Variant Classification Sherloc (09022015). Collection method: clinical testing. Allele origin: germline.
Comment: In summary, the available evidence is currently insufficient to determine the role of this variant in disease. Therefore, it has been classified as a Variant of Uncertain Significance. Algorithms developed to predict the effect of missense changes on protein structure and function are either unavailable or do not agree on the potential impact of this missense change (SIFT: "Deleterious"; PolyPhen-2: "Not Available"; Align-GVGD: "Class C15"). This variant has not been reported in the literature in individuals affected with RIN2-related conditions. This variant is not present in population databases (gnomAD no frequency). This sequence change replaces serine, which is neutral and polar, with tyrosine, which is neutral and polar, at codon 124 of the RIN2 protein (p.Ser124Tyr).